The following is an entry in ClinVar:

NM_000465.4(BARD1):c.1564G>A (p.Ala522Thr)

Gene: BARD1 (BRCA1 associated RING domain 1; minus strand). Cytogenetic location: 2q35.
Variant type: single nucleotide variant.
Coding change: c.1564G>A on transcript NM_000465.4 (MANE Select); coding-DNA position 1564, G replaced by A.
Protein change: p.Ala522Thr; replaces alanine 522 with threonine.
Molecular consequence: missense variant. On other transcripts: non-coding transcript variant (3), intron variant (3).
Genome position (GRCh38, 1-based): chr2:214,767,486, C>T on the plus strand (G>A on the coding strand, the complement: BARD1 is on the minus strand). VCF-style: chr2-214767486-C-T. GRCh37 (hg19) VCF-style: chr2-215632210-C-T.
Other names: p.A522T:GCT>ACT; c.1507G>A, p.Ala503Thr (NM_001282543.2); c.159-14931G>A (NM_001282548.2); c.216-14931G>A (NM_001282545.2); c.364+24811G>A (NM_001282549.2); short protein forms A522T, A503T.
Identifiers: ClinVar variation 182048 (VCV000182048.16), dbSNP rs730881419, ClinGen allele CA298468.
Genomic context (GRCh38, chr2:214,767,486, plus strand): 5'-CTTGATTCAAGAATATAGGTCCATTTTAAAAATAATTTTTACGTTGAACTACTTACACAG[C>T]ATTTCTGGAGGCTCCATAGGAAAGTAACAGCTTGACTATATCCACATGCCCATTCTTGGC-3'
Protein context (NP_000456.2, residues 512-532): LLLSYGASRN[Ala522Thr]VNIFGLRPVD

ClinVar aggregate classification (germline): Uncertain significance. Review status: criteria provided, multiple submitters, no conflicts (2 of 4 stars). 3 submissions from 3 submitters: Uncertain significance (3). Last evaluated 2025-07-15.

Conditions:
Hereditary cancer-predisposing syndrome. Also called: Tumor predisposition; Hereditary Cancer Syndrome; Hereditary neoplastic syndrome; Neoplastic Syndromes, Hereditary. Identifiers: Orphanet 140162, MedGen C0027672, MeSH D009386, MONDO:0015356.
Familial cancer of breast. Also called: BREAST CANCER, FAMILIAL; Hereditary breast cancer; hereditary breast carcinoma. Identifiers: Orphanet 227535, MedGen C0346153, MONDO:0016419, OMIM 114480. Disease mechanism: loss of function.

Allele frequency attached by ClinVar (database versions not stated): TOPMed 0.00001.
gnomAD v4.1: 1 of 1,613,224 alleles (0.000062%); highest among the groups gnomAD compares: African/African-American, 0.0013%; no homozygotes.

Submissions (3):

Labcorp Genetics (formerly Invitae), Labcorp
Classification: Uncertain significance for Familial cancer of breast. Last evaluated: 2025-07-15. Review status: criteria provided, single submitter. Criteria: Invitae Variant Classification Sherloc (09022015). Collection method: clinical testing. Allele origin: germline.
Comment: This sequence change replaces alanine, which is neutral and non-polar, with threonine, which is neutral and polar, at codon 522 of the BARD1 protein (p.Ala522Thr). This variant is not present in population databases (gnomAD no frequency). This variant has not been reported in the literature in individuals affected with BARD1-related conditions. ClinVar contains an entry for this variant (Variation ID: 182048). An algorithm developed to predict the effect of missense changes on protein structure and function (PolyPhen-2) suggests that this variant is likely to be disruptive. In summary, the available evidence is currently insufficient to determine the role of this variant in disease. Therefore, it has been classified as a Variant of Uncertain Significance.

Ambry Genetics
Classification: Uncertain significance for Hereditary cancer-predisposing syndrome. Last evaluated: 2024-04-19. Review status: criteria provided, single submitter. Criteria: Ambry Variant Classification Scheme 2023. Collection method: clinical testing. Allele origin: germline.
Comment: The p.A522T variant (also known as c.1564G>A), located in coding exon 6 of the BARD1 gene, results from a G to A substitution at nucleotide position 1564. The alanine at codon 522 is replaced by threonine, an amino acid with similar properties. This amino acid position is not well conserved in available vertebrate species. In addition, the in silico prediction for this alteration is inconclusive. Since supporting evidence is limited at this time, the clinical significance of this alteration remains unclear.

GeneDx
Classification: Uncertain significance. Last evaluated: 2016-04-18. Review status: criteria provided, single submitter. Criteria: GeneDx Variant Classification (06012015). Collection method: clinical testing. Allele origin: germline. Affected: yes.
Comment: This variant is denoted BARD1 c.1564G>A at the cDNA level, p.Ala522Thr (A522T) at the protein level, and results in the change of an Alanine to a Threonine (GCT>ACT). This variant has not, to our knowledge, been published in the literature as pathogenic or benign. BARD1 Ala522Thr was not observed in approximately 6,500 individuals of European and African American ancestry in the NHLBI Exome Sequencing Project, indicating it is not a common benign variant in these populations. Since Alanine and Threonine differ in polarity, charge, size or other properties, this is considered a non-conservative amino acid substitution. BARD1 Ala522Thr occurs at a position where amino acids with properties similar to Alanine are tolerated across species, and it is located in the ANK3 repeat domain (UniProt). In silico analyses are inconsistent regarding the effect this variant may have on protein structure and function. Based on currently available information, it is unclear whether BARD1 Ala522Thr is pathogenic or benign. We consider it to be a variant of uncertain significance.